The following is an entry in ClinVar:

ClinVar aggregate classification (germline): Conflicting classifications of pathogenicity. Review status: criteria provided, conflicting classifications (1 of 4 stars). 2 submissions from 2 submitters: Uncertain significance (1); Likely benign (1). Last evaluated 2024-08-31.

Conditions:
Genitopatellar syndrome (GTPTS). Also called: ABSENT PATELLAE, SCROTAL HYPOPLASIA, RENAL ANOMALIES, FACIAL DYSMORPHISM, AND MENTAL RETARDATION; Genitopatellar syndrome (GPS). Identifiers: Orphanet 85201, MedGen C1853566, MONDO:0011640, OMIM 606170.

Allele frequency attached by ClinVar (database versions not stated): gnomAD exomes below 0.00001; ExAC 0.00001; gnomAD 0.00002; TOPMed 0.00002; ESP Exome Variant Server 0.00008.
gnomAD v4.1: 8 of 1,538,868 alleles (0.00052%); highest among the groups gnomAD compares: Non-Finnish European, 0.00072%; no homozygotes.

Submissions (2):

Labcorp Genetics (formerly Invitae), Labcorp
Classification: Uncertain significance for Genitopatellar syndrome. Last evaluated: 2024-08-31. Review status: criteria provided, single submitter. Criteria: Invitae Variant Classification Sherloc (09022015). Collection method: clinical testing. Allele origin: germline.
Comment: This sequence change replaces leucine, which is neutral and non-polar, with methionine, which is neutral and non-polar, at codon 750 of the KAT6B protein (p.Leu750Met). This variant is present in population databases (rs368081386, gnomAD 0.002%). This variant has not been reported in the literature in individuals affected with KAT6B-related conditions. ClinVar contains an entry for this variant (Variation ID: 235589). Invitae Evidence Modeling of protein sequence and biophysical properties (such as structural, functional, and spatial information, amino acid conservation, physicochemical variation, residue mobility, and thermodynamic stability) indicates that this missense variant is expected to disrupt KAT6B protein function with a positive predictive value of 80%. In summary, the available evidence is currently insufficient to determine the role of this variant in disease. Therefore, it has been classified as a Variant of Uncertain Significance.

Center for Pediatric Genomic Medicine, Children's Mercy Hospital and Clinics
Classification: Likely benign. Last evaluated: 2016-04-18. Review status: criteria provided, single submitter. Criteria: ACMG Guidelines, 2015. Collection method: clinical testing. Allele origin: germline.
ClinVar note: Converted during submission from Likely Benign to Likely benign.

NM_012330.4(KAT6B):c.2248C>A (p.Leu750Met)

Gene: KAT6B (lysine acetyltransferase 6B; plus strand). Cytogenetic location: 10q22.2.
Variant type: single nucleotide variant.
Coding change: c.2248C>A on transcript NM_012330.4 (MANE Select); coding-DNA position 2248, C replaced by A.
Protein change: p.Leu750Met; replaces leucine 750 with methionine.
Molecular consequence: missense variant. On other transcripts: intron variant (2).
Genome position (GRCh38, 1-based): chr10:74,981,803, C>A. VCF-style: chr10-74981803-C-A. GRCh37 (hg19) VCF-style: chr10-76741561-C-A.
Other names: c.1699C>A, p.Leu567Met (NM_001256468.2, NM_001370138.1); c.1372C>A, p.Leu458Met (NM_001256469.2, NM_001370132.1, NM_001370139.1 and 3 more transcripts); c.325C>A, p.Leu109Met (NM_001370134.1); c.2248C>A, p.Leu750Met (NM_001370136.1, NM_001370137.1); c.1183C>A, p.Leu395Met (NM_001370143.1, NM_001370144.1); c.847-7216C>A (NM_001370133.1); c.193-7216C>A (NM_001370135.1); short protein forms L750M, L458M, L395M, L567M, L109M.
Identifiers: ClinVar variation 235589 (VCV000235589.5), dbSNP rs368081386, ClinGen allele CA5564565.
Genomic context (GRCh38, chr10:74,981,803, plus strand): 5'-GTATAATCTATCTGATAGATTCTATGATTTTTAAACTTTAACAGATTACCAAAGCTTTAC[C>A]TGTGTGAATTCTGTCTTAAATATATGAAAAGTAAAAATATTTTGCTAAGACACTCCAAGA-3'
Protein context (NP_036462.2, residues 740-760): QEYARLPKLY[Leu750Met]CEFCLKYMKS